The following is an entry in ClinVar:

ClinVar aggregate classification (germline): Conflicting classifications of pathogenicity. Review status: criteria provided, conflicting classifications (1 of 4 stars). 4 submissions from 4 submitters: Uncertain significance (1); Likely benign (2). 1 of the submissions does not count toward it. Last evaluated 2026-01-01.

Conditions:
PIGN-related disorder. Also called: PIGN-related condition.
Inborn genetic diseases. Identifiers: MedGen C0950123, MeSH D030342.
Multiple congenital anomalies-hypotonia-seizures syndrome 1 (MCAHS1). Also called: Congenital disorder of glycosylation due to PIGN deficiency; PIGN-CDG; GLYCOSYLPHOSPHATIDYLINOSITOL BIOSYNTHESIS DEFECT 3. Identifiers: Orphanet 280633, MedGen C3279775, MONDO:0013563, OMIM 614080.

Allele frequency attached by ClinVar (database versions not stated): 1000 Genomes Project 30x 0.00031; 1000 Genomes Project 0.00040; TOPMed 0.00047; ESP Exome Variant Server 0.00081; gnomAD exomes 0.00087; ExAC 0.00093; gnomAD 0.00107 and 0.00113.
gnomAD v4.1: 1,789 of 1,613,826 alleles (0.11%); highest among the groups gnomAD compares: Non-Finnish European, 0.11%; 3 homozygotes.

Submissions (4):

Labcorp Genetics (formerly Invitae), Labcorp
Classification: Likely benign for Multiple congenital anomalies-hypotonia-seizures syndrome 1. Last evaluated: 2026-01-01. Review status: criteria provided, single submitter. Criteria: Invitae Variant Classification Sherloc (09022015). Collection method: clinical testing. Allele origin: germline.

Blueprint Genetics
Classification: Likely benign. Last evaluated: 2024-09-11. Review status: criteria provided, single submitter. Criteria: ACMG Guidelines, 2015. Collection method: clinical testing. Allele origin: germline.

Ambry Genetics
Classification: Uncertain significance for Inborn genetic diseases. Last evaluated: 2016-07-26. Review status: criteria provided, single submitter. Criteria: Ambry Variant Classification Scheme 2023. Collection method: clinical testing. Allele origin: germline.
Comment: The p.S928N variant (also known as c.2783G>A), located in coding exon 28 of the PIGN gene, results from a G to A substitution at nucleotide position 2783. The serine at codon 928 is replaced by asparagine, an amino acid with highly similar properties. This amino acid position is not well conserved in available vertebrate species. In addition, this alteration is predicted to be tolerated by in silico analysis. Since supporting evidence is limited at this time, the clinical significance of this variant remains unclear.

PreventionGenetics, part of Exact Sciences
Classification: Likely benign for PIGN-related condition. Last evaluated: 2023-09-12. Review status: no assertion criteria provided. Collection method: clinical testing. Allele origin: germline. Not counted in ClinVar's aggregate classification.
Comment: This variant is classified as likely benign based on ACMG/AMP sequence variant interpretation guidelines (Richards et al. 2015 PMID: 25741868, with internal and published modifications).

NM_176787.5(PIGN):c.2783G>A (p.Ser928Asn)

Gene: PIGN (phosphatidylinositol glycan anchor biosynthesis class N; minus strand). Cytogenetic location: 18q21.33.
Variant type: single nucleotide variant.
Coding change: c.2783G>A on transcript NM_176787.5 (MANE Select); coding-DNA position 2783, G replaced by A.
Protein change: p.Ser928Asn; replaces serine 928 with asparagine.
Molecular consequence: missense variant.
Genome position (GRCh38, 1-based): chr18:62,045,869, C>T on the plus strand (G>A on the coding strand, the complement: PIGN is on the minus strand). VCF-style: chr18-62045869-C-T. GRCh37 (hg19) VCF-style: chr18-59713102-C-T.
Other names: c.2783G>A, p.Ser928Asn (NM_012327.6); short protein forms S928N.
Identifiers: ClinVar variation 472229 (VCV000472229.19), dbSNP rs201397391, ClinGen allele CA8981865.